The following is an entry in ClinVar:

NM_001453.3(FOXC1):c.1329C>T (p.Ser443=)

Gene: FOXC1 (forkhead box C1; plus strand). Cytogenetic location: 6p25.3.
Variant type: single nucleotide variant.
Coding change: c.1329C>T on transcript NM_001453.3 (MANE Select); coding-DNA position 1329, C replaced by T.
Protein change: p.Ser443=; no amino-acid change (serine 443 retained).
Molecular consequence: synonymous variant.
Genome position (GRCh38, 1-based): chr6:1,611,774, C>T. VCF-style: chr6-1611774-C-T. GRCh37 (hg19) VCF-style: chr6-1612009-C-T.
Other names: c.1329C>T (NM_001453.2).
Identifiers: ClinVar variation 2048102 (VCV002048102.5), dbSNP rs1762556846, ClinGen allele CA448394193.

ClinVar aggregate classification (germline): Likely benign. Review status: criteria provided, single submitter (1 of 4 stars). 2 submissions from 2 submitters: Likely benign (1). 1 of the submissions does not count toward it. Last evaluated 2022-09-17.

Conditions:
Axenfeld-Rieger syndrome type 3 (RIEG3). Also called: AXENFELD-RIEGER ANOMALY WITH CARDIAC DEFECTS AND/OR SENSORINEURAL HEARING LOSS. Identifiers: Orphanet 782, MedGen C2678503, MONDO:0011233, OMIM 602482.
FOXC1-related disorder. Also called: FOXC1-related condition.

Allele frequency attached by ClinVar (database versions not stated): gnomAD exomes below 0.00001.

Submissions (2):

Labcorp Genetics (formerly Invitae), Labcorp
Classification: Likely benign for Axenfeld-Rieger syndrome type 3. Last evaluated: 2022-09-17. Review status: criteria provided, single submitter. Criteria: Invitae Variant Classification Sherloc (09022015). Collection method: clinical testing. Allele origin: germline.

PreventionGenetics, part of Exact Sciences
Classification: Likely benign for FOXC1-related condition. Last evaluated: 2019-06-18. Review status: no assertion criteria provided. Collection method: clinical testing. Allele origin: germline. Not counted in ClinVar's aggregate classification.
Comment: This variant is classified as likely benign based on ACMG/AMP sequence variant interpretation guidelines (Richards et al. 2015 PMID: 25741868, with internal and published modifications).